The following is an entry in ClinVar:

ClinVar aggregate classification (germline): Uncertain significance (1 of 4 stars; one submission).

Allele frequency attached by ClinVar (database versions not stated): gnomAD exomes below 0.00001.
gnomAD v4.1: 1 of 1,613,726 alleles (0.000062%); highest among the groups gnomAD compares: Non-Finnish European, 0.000085%; no homozygotes.

Submission:

Labcorp Genetics (formerly Invitae), Labcorp
Classification: Uncertain significance. Last evaluated: 2021-04-06. Review status: criteria provided, single submitter. Criteria: Invitae Variant Classification Sherloc (09022015). Collection method: clinical testing. Allele origin: germline.
Comment: This sequence change replaces isoleucine with methionine at codon 663 of the MSH3 protein (p.Ile663Met). The isoleucine residue is weakly conserved and there is a small physicochemical difference between isoleucine and methionine. This variant is not present in population databases (ExAC no frequency). This variant has not been reported in the literature in individuals with MSH3-related conditions. Algorithms developed to predict the effect of missense changes on protein structure and function are either unavailable or do not agree on the potential impact of this missense change (SIFT: "Deleterious"; PolyPhen-2: "Benign"; Align-GVGD: "Class C0"). In summary, the available evidence is currently insufficient to determine the role of this variant in disease. Therefore, it has been classified as a Variant of Uncertain Significance.

NM_002439.5(MSH3):c.1989T>G (p.Ile663Met)

Gene: MSH3 (mutS homolog 3; plus strand). Cytogenetic location: 5q14.1.
Variant type: single nucleotide variant.
Coding change: c.1989T>G on transcript NM_002439.5 (MANE Select); coding-DNA position 1989, T replaced by G.
Protein change: p.Ile663Met; replaces isoleucine 663 with methionine.
Molecular consequence: missense variant.
Genome position (GRCh38, 1-based): chr5:80,768,025, T>G. VCF-style: chr5-80768025-T-G. GRCh37 (hg19) VCF-style: chr5-80063844-T-G.
Other names: short protein forms I663M.
Identifiers: ClinVar variation 1523179 (VCV001523179.8), dbSNP rs2112884399, ClinGen allele CA360277661.